The following is an entry in ClinVar:

NM_173477.5(USH1G):c.1352_1353del (p.Glu451fs)

Gene: USH1G (USH1 protein network component sans; minus strand). Cytogenetic location: 17q25.1.
Variant type: Deletion.
Coding change: c.1352_1353del on transcript NM_173477.5 (MANE Select); coding-DNA positions 1352 to 1353, 2 bases deleted (AG; older notation c.1352_1353delAG).
Protein change: p.Glu451fs; shifts the reading frame from glutamic acid 451.
Molecular consequence: frameshift variant.
Genome position (GRCh38, 1-based): chr17:74,919,483-74,919,484, CT deleted on the plus strand (AG on the coding strand, the reverse complement: USH1G is on the minus strand); deleting any 2 consecutive bases within chr17:74,919,483-74,919,485 gives the same sequence; the c. name uses the placement nearest the transcript's 3' end. VCF-style (leftmost placement, unchanged base first): chr17-74919482-GCT-G. GRCh37 (hg19) VCF-style: chr17-72915577-GCT-G.
Other names: c.1043_1044del, p.Glu348fs (NM_001282489.3); short protein forms E348fs, E451fs.
Identifiers: ClinVar variation 2695082 (VCV002695082.3), dbSNP rs2544427211, ClinGen allele CA2639746898.

ClinVar aggregate classification (germline): Pathogenic (1 of 4 stars; one submission).

Submission:

Labcorp Genetics (formerly Invitae), Labcorp
Classification: Pathogenic. Last evaluated: 2023-11-19. Review status: criteria provided, single submitter. Criteria: Invitae Variant Classification Sherloc (09022015). Collection method: clinical testing. Allele origin: germline.
Comment: This sequence change results in a frameshift in the USH1G gene (p.Glu451Alafs*87). While this is not anticipated to result in nonsense mediated decay, it is expected to disrupt the last 11 amino acid(s) of the USH1G protein and extend the protein by 75 additional amino acid residues. This variant is not present in population databases (gnomAD no frequency). This variant has not been reported in the literature in individuals affected with USH1G-related conditions. This variant disrupts a region of the USH1G protein in which other variant(s) (p.Asp458Val) have been determined to be pathogenic (PMID: 16283141, 28944237). This suggests that this is a clinically significant region of the protein, and that variants that disrupt it are likely to be disease-causing. For these reasons, this variant has been classified as Pathogenic.

Literature cited by the submitters: PubMed 16283141; PubMed 28944237.